The following is an entry in ClinVar:

NM_001388359.1(KIAA0513):c.30G>A (p.Ser10=)

Gene: KIAA0513 (KIAA0513; plus strand). Cytogenetic location: 16q24.1.
Variant type: single nucleotide variant.
Coding change: c.30G>A on transcript NM_001388359.1 (MANE Select); coding-DNA position 30, G replaced by A.
Protein change: p.Ser10=; no amino-acid change (serine 10 retained).
Molecular consequence: synonymous variant.
Genome position (GRCh38, 1-based): chr16:85,067,101, G>A. VCF-style: chr16-85067101-G-A. GRCh37 (hg19) VCF-style: chr16-85100707-G-A.
Other names: c.30G>A, p.Ser10= (NM_001286565.1, NM_001286566.2, NM_001297766.2 and 1 more transcripts).
Identifiers: ClinVar variation 2646932 (VCV002646932.24), dbSNP rs144475048, ClinGen allele CA8212658.

ClinVar aggregate classification (germline): Likely benign (1 of 4 stars; one submission).

Allele frequency attached by ClinVar (database versions not stated): TOPMed 0.00031; gnomAD 0.00054; ESP Exome Variant Server 0.00062; gnomAD exomes 0.00068; ExAC 0.00104; 1000 Genomes Project 30x 0.00203; 1000 Genomes Project 0.00220.
gnomAD v4.1: 1,086 of 1,601,330 alleles (0.068%); highest among the groups gnomAD compares: South Asian, 0.5%; 6 homozygotes.

Submission:

CeGaT Center for Human Genetics Tuebingen
Classification: Likely benign. Last evaluated: 2022-03-01. Review status: criteria provided, single submitter. Criteria: CeGaT Center For Human Genetics Tuebingen Variant Classification Criteria Version 2. Collection method: clinical testing. Allele origin: germline. Affected: yes. Observed: 1 variant allele.
Comment: KIAA0513: BP4, BP7